The following is an entry in ClinVar:

NM_001206927.2(DNAH8):c.8467A>C (p.Ile2823Leu)

Gene: DNAH8 (dynein axonemal heavy chain 8; plus strand). Cytogenetic location: 6p21.2.
Variant type: single nucleotide variant.
Coding change: c.8467A>C on transcript NM_001206927.2 (MANE Select); coding-DNA position 8467, A replaced by C.
Protein change: p.Ile2823Leu; replaces isoleucine 2823 with leucine.
Molecular consequence: missense variant.
Genome position (GRCh38, 1-based): chr6:38,886,998, A>C. VCF-style: chr6-38886998-A-C. GRCh37 (hg19) VCF-style: chr6-38854774-A-C.
Other names: c.7816A>C, p.Ile2606Leu (NM_001371.4); short protein forms I2606L, I2823L.
Identifiers: ClinVar variation 1026079 (VCV001026079.9), dbSNP rs1778977301, ClinGen allele CA363994240.

ClinVar aggregate classification (germline): Uncertain significance (1 of 4 stars; one submission).

Conditions:
Primary ciliary dyskinesia. Also called: Ciliary dyskinesia. Identifiers: Orphanet 244, MedGen C0008780, MONDO:0016575, HP:0012265.

Submission:

Labcorp Genetics (formerly Invitae), Labcorp
Classification: Uncertain significance for Primary ciliary dyskinesia. Last evaluated: 2020-04-14. Review status: criteria provided, single submitter. Criteria: Invitae Variant Classification Sherloc (09022015). Collection method: clinical testing. Allele origin: germline.
Comment: This sequence change replaces isoleucine with leucine at codon 2823 of the DNAH8 protein (p.Ile2823Leu). The isoleucine residue is highly conserved and there is a small physicochemical difference between isoleucine and leucine. This variant is not present in population databases (ExAC no frequency). This variant has not been reported in the literature in individuals with DNAH8-related conditions. Algorithms developed to predict the effect of missense changes on protein structure and function are either unavailable or do not agree on the potential impact of this missense change (SIFT: "Deleterious"; PolyPhen-2: "Not Available"; Align-GVGD: "Class C0"). In summary, the available evidence is currently insufficient to determine the role of this variant in disease. Therefore, it has been classified as a Variant of Uncertain Significance.